The following is an entry in ClinVar:

NM_006610.4(MASP2):c.33T>C (p.Cys11=)

Gene: MASP2 (MBL associated serine protease 2; minus strand). Cytogenetic location: 1p36.22.
Variant type: single nucleotide variant.
Coding change: c.33T>C on transcript NM_006610.4 (MANE Select); coding-DNA position 33, T replaced by C.
Protein change: p.Cys11=; no amino-acid change (cysteine 11 retained).
Molecular consequence: synonymous variant.
Genome position (GRCh38, 1-based): chr1:11,047,092, A>G on the plus strand (T>C on the coding strand, the complement: MASP2 is on the minus strand). VCF-style: chr1-11047092-A-G. GRCh37 (hg19) VCF-style: chr1-11107149-A-G.
Other names: c.33T>C, p.Cys11= (NM_139208.3).
Identifiers: ClinVar variation 786449 (VCV000786449.9), dbSNP rs61735592, ClinGen allele CA587258.

ClinVar aggregate classification (germline): Benign. Review status: criteria provided, multiple submitters, no conflicts (2 of 4 stars). 3 submissions from 3 submitters: Benign (3). Last evaluated 2019-12-31.

Conditions:
Immunodeficiency due to MASP-2 deficiency. Also called: LECTIN COMPLEMENT ACTIVATION PATHWAY, DEFECT IN, 2; MASP2 deficiency. Identifiers: Orphanet 331187, MedGen C3151085, MONDO:0013423, OMIM 613791.

Allele frequency attached by ClinVar (database versions not stated): gnomAD exomes 0.00071 and 0.00169; ExAC 0.00349; gnomAD 0.00719 and 0.00763; TOPMed 0.00807; ESP Exome Variant Server 0.00833; 1000 Genomes Project 0.00958; 1000 Genomes Project 30x 0.01015.

Submissions (3):

Labcorp Genetics (formerly Invitae), Labcorp
Classification: Benign. Last evaluated: 2019-12-31. Review status: criteria provided, single submitter. Criteria: Invitae Variant Classification Sherloc (09022015). Collection method: clinical testing. Allele origin: germline.

Illumina Laboratory Services, Illumina
Classification: Benign for Immunodeficiency due to MASP-2 deficiency. Last evaluated: 2018-01-13. Review status: criteria provided, single submitter. Criteria: ICSL Variant Classification Criteria 13 December 2019. Collection method: clinical testing. Allele origin: germline.
Comment: This variant was observed in the ICSL laboratory as part of a predisposition screen in an ostensibly healthy population. It had not been previously curated by ICSL or reported in the Human Gene Mutation Database (HGMD: prior to June 1st, 2018), and was therefore a candidate for classification through an automated scoring system. Utilizing variant allele frequency, disease prevalence and penetrance estimates, and inheritance mode, an automated score was calculated to assess if this variant is too frequent to cause the disease. Based on the score and internal cut-off values, a variant classified as benign is not then subjected to further curation. The score for this variant resulted in a classification of benign for this disease.

Breakthrough Genomics
Classification: Benign. Review status: criteria provided, single submitter. Criteria: ACMG Guidelines, 2015. Collection method: not provided. Allele origin: germline. Inheritance: Autosomal recessive inheritance. Affected: yes.